The following is an entry in ClinVar:

NM_006734.4(HIVEP2):c.154C>G (p.Pro52Ala)

Gene: HIVEP2 (HIVEP zinc finger 2; minus strand). Cytogenetic location: 6q24.2.
Variant type: single nucleotide variant.
Coding change: c.154C>G on transcript NM_006734.4 (MANE Select); coding-DNA position 154, C replaced by G.
Protein change: p.Pro52Ala; replaces proline 52 with alanine.
Molecular consequence: missense variant.
Genome position (GRCh38, 1-based): chr6:142,774,585, G>C on the plus strand (C>G on the coding strand, the complement: HIVEP2 is on the minus strand). VCF-style: chr6-142774585-G-C. GRCh37 (hg19) VCF-style: chr6-143095722-G-C.
Other names: c.154C>G, p.Pro52Ala (NM_001438449.1, NM_001438450.1, NM_001438451.1); short protein forms P52A.
Identifiers: ClinVar variation 4804926 (VCV004804926.1).
Genomic context (GRCh38, chr6:142,774,585, plus strand): 5'-GGGAGGCCAGTTTCCCAGAACCAAACAGTTGTGCTGATGCTGTGTTTCCGATTTGCTCAG[G>C]CTCTATTTGTGGTTGCCGCTGTCCTTCATGACTGCCAAAAGTGCTCATCTTAATAACAGC-3'
Protein context (NP_006725.3, residues 42-62): HEGQRQPQIE[Pro52Ala]EQIGNTASAQ

ClinVar aggregate classification (germline): Uncertain significance (1 of 4 stars; one submission).

gnomAD v4.1: 5 of 1,614,170 alleles (0.00031%); highest among the groups gnomAD compares: Non-Finnish European, 0.00042%; no homozygotes.

Submission:

Labcorp Genetics (formerly Invitae), Labcorp
Classification: Uncertain significance. Last evaluated: 2025-09-24. Review status: criteria provided, single submitter. Criteria: Invitae Variant Classification Sherloc (09022015). Collection method: clinical testing. Allele origin: germline.
Comment: This sequence change replaces proline, which is neutral and non-polar, with alanine, which is neutral and non-polar, at codon 52 of the HIVEP2 protein (p.Pro52Ala). This variant is not present in population databases (gnomAD no frequency). This variant has not been reported in the literature in individuals affected with HIVEP2-related conditions. Invitae Evidence Modeling of protein sequence and biophysical properties (such as structural, functional, and spatial information, amino acid conservation, physicochemical variation, residue mobility, and thermodynamic stability) indicates that this missense variant is not expected to disrupt HIVEP2 protein function with a negative predictive value of 80%. In summary, the available evidence is currently insufficient to determine the role of this variant in disease. Therefore, it has been classified as a Variant of Uncertain Significance.